The following is an entry in ClinVar:

NM_004793.4(LONP1):c.1945C>G (p.Leu649Val)

Gene: LONP1 (lon peptidase 1, mitochondrial; minus strand). Cytogenetic location: 19p13.3.
Variant type: single nucleotide variant.
Coding change: c.1945C>G on transcript NM_004793.4 (MANE Select); coding-DNA position 1945, C replaced by G.
Protein change: p.Leu649Val; replaces leucine 649 with valine.
Molecular consequence: missense variant. On other transcripts: non-coding transcript variant (1).
Genome position (GRCh38, 1-based): chr19:5,696,122, G>C on the plus strand (C>G on the coding strand, the complement: LONP1 is on the minus strand). VCF-style: chr19-5696122-G-C. GRCh37 (hg19) VCF-style: chr19-5696133-G-C.
Other names: c.1753C>G, p.Leu585Val (NM_001276479.2); c.1357C>G, p.Leu453Val (NM_001276480.1); short protein forms L585V, L453V, L649V.
Identifiers: ClinVar variation 2228148 (VCV002228148.2), dbSNP rs2512389628, ClinGen allele CA403528840.

ClinVar aggregate classification (germline): Uncertain significance (1 of 4 stars; one submission).

Conditions:
Inborn genetic diseases. Identifiers: MedGen C0950123, MeSH D030342.

Submission:

Ambry Genetics
Classification: Uncertain significance for Inborn genetic diseases. Last evaluated: 2020-12-10. Review status: criteria provided, single submitter. Criteria: Ambry Variant Classification Scheme 2023. Collection method: clinical testing. Allele origin: germline.
Comment: The c.1945C>G (p.L649V) alteration is located in exon 13 (coding exon 13) of the LONP1 gene. This alteration results from a C to G substitution at nucleotide position 1945, causing the leucine (L) at amino acid position 649 to be replaced by a valine (V). The in silico prediction for the p.L649V alteration is inconclusive. Based on insufficient or conflicting evidence, the clinical significance of this alteration remains unclear.